The following is an entry in ClinVar:

ClinVar aggregate classification (germline): Conflicting classifications of pathogenicity. Review status: criteria provided, conflicting classifications (1 of 4 stars). 3 submissions from 3 submitters: Uncertain significance (2); Likely benign (1). Last evaluated 2025-05-15.

Conditions:
Hereditary breast ovarian cancer syndrome. Also called: Hereditary breast and ovarian cancer syndrome; Breast and ovarian cancer; Hereditary breast and/or ovarian cancer syndrome; Hereditary breast and ovarian cancer; BRCA1- and BRCA2-Associated Hereditary Breast and Ovarian Cancer; Hereditary breast and ovarian cancer syndrome (HBOC). Identifiers: Orphanet 145, MedGen C0677776, MeSH D061325, MONDO:0003582. Disease mechanism: loss of function.
Hereditary cancer-predisposing syndrome. Also called: Neoplastic Syndromes, Hereditary; Tumor predisposition; Hereditary neoplastic syndrome; Hereditary Cancer Syndrome. Identifiers: Orphanet 140162, MedGen C0027672, MeSH D009386, MONDO:0015356.
Breast-ovarian cancer, familial, susceptibility to, 2 (BROVCA2). Also called: BRCA2 Hereditary Breast and Ovarian Cancer. Identifiers: Orphanet 145, MedGen C2675520, MONDO:0012933, OMIM 612555. Disease mechanism: loss of function.

Submissions (3):

Ambry Genetics
Classification: Likely benign for Hereditary cancer-predisposing syndrome. Last evaluated: 2025-05-15. Review status: criteria provided, single submitter. Criteria: Ambry Variant Classification Scheme 2023. Collection method: clinical testing. Allele origin: germline.

All of Us Research Program, National Institutes of Health
Classification: Uncertain significance for Breast-ovarian cancer, familial, susceptibility to, 2. Last evaluated: 2023-06-26. Review status: criteria provided, single submitter. Criteria: ACMG Guidelines, 2015. Collection method: clinical testing. Allele origin: germline. Inheritance: Autosomal dominant inheritance. Observed: 1 variant allele, 1 heterozygote.
Comment: This missense variant replaces serine with alanine at codon 3094 of the BRCA2 protein. Computational prediction is inconclusive regarding the impact of this variant on protein structure and function (internally defined REVEL score threshold 0.5 < inconclusive < 0.7, PMID: 27666373). To our knowledge, functional studies have not been reported for this variant. This variant has not been reported in individuals affected with BRCA2-related disorders in the literature. This variant has not been identified in the general population by the Genome Aggregation Database (gnomAD). The available evidence is insufficient to determine the role of this variant in disease conclusively. Therefore, this variant is classified as a Variant of Uncertain Significance.

This study involves interpretation of variants in research participants for the purpose of population health screening. Participant phenotype was not available at the time of variant classification. Additional details can be found in publication PMID: 35346344, PMCID: PMC8962531

Labcorp Genetics (formerly Invitae), Labcorp
Classification: Uncertain significance for Hereditary breast ovarian cancer syndrome. Last evaluated: 2022-12-07. Review status: criteria provided, single submitter. Criteria: Invitae Variant Classification Sherloc (09022015). Collection method: clinical testing. Allele origin: germline.
Comment: This sequence change replaces serine, which is neutral and polar, with alanine, which is neutral and non-polar, at codon 3094 of the BRCA2 protein (p.Ser3094Ala). This variant is not present in population databases (gnomAD no frequency). This variant has not been reported in the literature in individuals affected with BRCA2-related conditions. ClinVar contains an entry for this variant (Variation ID: 1766429). In summary, the available evidence is currently insufficient to determine the role of this variant in disease. Therefore, it has been classified as a Variant of Uncertain Significance. Advanced modeling of protein sequence and biophysical properties (such as structural, functional, and spatial information, amino acid conservation, physicochemical variation, residue mobility, and thermodynamic stability) performed at Invitae indicates that this missense variant is not expected to disrupt BRCA2 protein function.

NM_000059.4(BRCA2):c.9280T>G (p.Ser3094Ala)

Gene: BRCA2 (BRCA2 DNA repair associated; plus strand). Cytogenetic location: 13q13.1.
Variant type: single nucleotide variant.
Coding change: c.9280T>G on transcript NM_000059.4 (MANE Select); coding-DNA position 9280, T replaced by G.
Protein change: p.Ser3094Ala; replaces serine 3094 with alanine.
Molecular consequence: missense variant.
Genome position (GRCh38, 1-based): chr13:32,394,712, T>G. VCF-style: chr13-32394712-T-G. GRCh37 (hg19) VCF-style: chr13-32968849-T-G.
Other names: c.9184T>G, p.Ser3062Ala (NM_001406719.1); c.9229T>G, p.Ser3077Ala (NM_001406720.1); c.4348T>G, p.Ser1450Ala (NM_001406721.1); c.2863T>G, p.Ser955Ala (NM_001406722.1); short protein forms S1450A, S3062A, S3077A, S3094A, S955A.
Identifiers: ClinVar variation 1766429 (VCV001766429.7), dbSNP rs2137652091, ClinGen allele CA387760803.